The following is an entry in ClinVar:

NM_015425.6(POLR1A):c.3083A>G (p.Lys1028Arg)

Gene: POLR1A (RNA polymerase I subunit A; minus strand). Cytogenetic location: 2p11.2.
Variant type: single nucleotide variant.
Coding change: c.3083A>G on transcript NM_015425.6 (MANE Select); coding-DNA position 3083, A replaced by G.
Protein change: p.Lys1028Arg; replaces lysine 1028 with arginine.
Molecular consequence: missense variant.
Genome position (GRCh38, 1-based): chr2:86,044,191, T>C on the plus strand (A>G on the coding strand, the complement: POLR1A is on the minus strand). VCF-style: chr2-86044191-T-C. GRCh37 (hg19) VCF-style: chr2-86271314-T-C.
Other names: short protein forms K1028R.
Identifiers: ClinVar variation 1493154 (VCV001493154.6), dbSNP rs746311355, ClinGen allele CA1745871.
Genomic context (GRCh38, chr2:86,044,191, plus strand): 5'-CACACTACCTCGTAGTTGCTGGCCAGGAAGGGGAACTGCTTGGGCTGCAGGAACTGTGTC[T>C]TGGGGATGTCCAGGCCATCCTCCCCATACAGGAACTGCACCACACTGCCGTCACTGTCAC-3'
Protein context (NP_056240.2, residues 1018-1038): LYGEDGLDIP[Lys1028Arg]TQFLQPKQFP

ClinVar aggregate classification (germline): Uncertain significance (1 of 4 stars; one submission).

Allele frequency attached by ClinVar (database versions not stated): gnomAD exomes below 0.00001; TOPMed below 0.00001; ExAC 0.00001; gnomAD 0.00001.
gnomAD v4.1: 4 of 1,614,080 alleles (0.00025%); highest among the groups gnomAD compares: Non-Finnish European, 0.00034%; no homozygotes.

Submission:

Labcorp Genetics (formerly Invitae), Labcorp
Classification: Uncertain significance. Last evaluated: 2025-03-18. Review status: criteria provided, single submitter. Criteria: Invitae Variant Classification Sherloc (09022015). Collection method: clinical testing. Allele origin: germline.
Comment: This sequence change replaces lysine with arginine at codon 1028 of the POLR1A protein (p.Lys1028Arg). The lysine residue is highly conserved and there is a small physicochemical difference between lysine and arginine. This variant is present in population databases (rs746311355, gnomAD 0.0009%). This variant has not been reported in the literature in individuals affected with POLR1A-related conditions. ClinVar contains an entry for this variant (Variation ID: 1493154). Invitae Evidence Modeling of protein sequence and biophysical properties (such as structural, functional, and spatial information, amino acid conservation, physicochemical variation, residue mobility, and thermodynamic stability) indicates that this missense variant is not expected to disrupt POLR1A protein function with a negative predictive value of 80%. In summary, the available evidence is currently insufficient to determine the role of this variant in disease. Therefore, it has been classified as a Variant of Uncertain Significance.